The following is an entry in ClinVar:

ClinVar aggregate classification (germline): Uncertain significance (1 of 4 stars; one submission).

Allele frequency attached by ClinVar (database versions not stated): ExAC 0.00001.
gnomAD v4.1: 51 of 1,613,022 alleles (0.0032%); highest among the groups gnomAD compares: Non-Finnish European, 0.0041%; no homozygotes.

Submission:

Labcorp Genetics (formerly Invitae), Labcorp
Classification: Uncertain significance. Last evaluated: 2025-12-15. Review status: criteria provided, single submitter. Criteria: Invitae Variant Classification Sherloc (09022015). Collection method: clinical testing. Allele origin: germline.
Comment: This sequence change replaces methionine, which is neutral and non-polar, with valine, which is neutral and non-polar, at codon 418 of the TMC1 protein (p.Met418Val). This variant is present in population databases (rs775453038, gnomAD 0.003%). This variant has not been reported in the literature in individuals affected with TMC1-related conditions. ClinVar contains an entry for this variant (Variation ID: 2184139). Invitae Evidence Modeling of protein sequence and biophysical properties (such as structural, functional, and spatial information, amino acid conservation, physicochemical variation, residue mobility, and thermodynamic stability) has been performed for this missense variant. However, the output from this modeling did not meet the statistical confidence thresholds required to predict the impact of this variant on TMC1 protein function. This variant disrupts the p.Met418Lys amino acid residue in TMC1. Other variant(s) that disrupt this residue have been determined to be pathogenic (PMID: 11850623, 24827932). This suggests that this residue is clinically significant, and that variants that disrupt this residue are likely to be disease-causing. In summary, the available evidence is currently insufficient to determine the role of this variant in disease. Therefore, it has been classified as a Variant of Uncertain Significance.

Literature cited by the submitters: PubMed 11850623; PubMed 24827932.

NM_138691.3(TMC1):c.1252A>G (p.Met418Val)

Gene: TMC1 (transmembrane channel like 1; plus strand). Cytogenetic location: 9q21.13.
Variant type: single nucleotide variant.
Coding change: c.1252A>G on transcript NM_138691.3 (MANE Select); coding-DNA position 1252, A replaced by G.
Protein change: p.Met418Val; replaces methionine 418 with valine.
Molecular consequence: missense variant.
Genome position (GRCh38, 1-based): chr9:72,791,913, A>G. VCF-style: chr9-72791913-A-G. GRCh37 (hg19) VCF-style: chr9-75406829-A-G.
Other names: short protein forms M418V.
Identifiers: ClinVar variation 2184139 (VCV002184139.2), dbSNP rs775453038, ClinGen allele CA5081910.
Genomic context (GRCh38, chr9:72,791,913, plus strand): 5'-TTAACCTAGTTTCTCCCTTGTGCCTCCTTGTAGATGAACATGGTTATGTCCCTCCTAGGG[A>G]TGTTCTGTCCAACATTGTTTGACTTATTTGCTGAATTAGAAGACTACCATCCTCTCATCG-3'
Protein context (NP_619636.2, residues 408-428): EMNMVMSLLG[Met418Val]FCPTLFDLFA